The following is an entry in ClinVar:

NM_003072.5(SMARCA4):c.4850G>A (p.Ser1617Asn)

Gene: SMARCA4 (SWI/SNF related BAF chromatin remodeling complex subunit ATPase 4; plus strand). Cytogenetic location: 19p13.2.
Variant type: single nucleotide variant.
Coding change: c.4850G>A on transcript NM_003072.5 (MANE Select); coding-DNA position 4850, G replaced by A.
Protein change: p.Ser1617Asn; replaces serine 1617 with asparagine.
Molecular consequence: missense variant. On other transcripts: non-coding transcript variant (1).
Genome position (GRCh38, 1-based): chr19:11,060,126, G>A. VCF-style: chr19-11060126-G-A. GRCh37 (hg19) VCF-style: chr19-11170802-G-A.
Other names: c.4850G>A, p.Ser1617Asn (NM_001128844.3); c.4760G>A, p.Ser1587Asn (NM_001128845.2); c.4757G>A, p.Ser1586Asn (NM_001128846.2); c.4751G>A, p.Ser1584Asn (NM_001128847.4, NM_001374457.1); c.4748G>A, p.Ser1583Asn (NM_001128848.2); c.4946G>A, p.Ser1649Asn (NM_001128849.3, NM_001387283.1); c.4847G>A, p.Ser1616Asn (NM_001411150.1); short protein forms S1583N, S1584N, S1586N, S1587N, S1616N, S1617N, S1649N.
Identifiers: ClinVar variation 3233133 (VCV003233133.1), dbSNP rs1600648852, ClinGen allele CA404080718.

ClinVar aggregate classification (germline): Uncertain significance (1 of 4 stars; one submission).

Conditions:
Hereditary cancer-predisposing syndrome. Also called: Neoplastic Syndromes, Hereditary; Tumor predisposition; Hereditary neoplastic syndrome; Hereditary Cancer Syndrome. Identifiers: Orphanet 140162, MedGen C0027672, MeSH D009386, MONDO:0015356.

Submission:

Ambry Genetics
Classification: Uncertain significance for Hereditary cancer-predisposing syndrome. Last evaluated: 2024-01-05. Review status: criteria provided, single submitter. Criteria: Ambry Variant Classification Scheme 2023. Collection method: clinical testing. Allele origin: germline.
Comment: The p.S1649N variant (also known as c.4946G>A), located in coding exon 34 of the SMARCA4 gene, results from a G to A substitution at nucleotide position 4946. The serine at codon 1649 is replaced by asparagine, an amino acid with highly similar properties. This amino acid position is not well conserved in available vertebrate species. In addition, this alteration is predicted to be tolerated by in silico analysis. Missense and in-frame variants in SMARCA4 are known to cause neurodevelopmental disorders; however, such associations with rhabdoid tumor predisposition syndrome including small cell carcinoma of the ovary-hypercalcemic type (SCCOHT) are exceedingly rare (Kosho T et al. Am J Med Genet C Semin Med Genet. 2014 Sep;166C(3):262-75; Jelinic P et al. Nat Genet. 2014 May;46(5):424-6). Based on the supporting evidence, the association of this alteration with Coffin-Siris syndrome is unknown; however, the association of this alteration with rhabdoid tumor predisposition syndrome is unlikely.